The following is an entry in ClinVar:

NM_000342.4(SLC4A1):c.-59G>C

Gene: SLC4A1 (solute carrier family 4 member 1 (Diego blood group); minus strand). Cytogenetic location: 17q21.31.
Variant type: single nucleotide variant.
Coding change: c.-59G>C on transcript NM_000342.4 (MANE Select); 59 bases upstream of the start codon, G replaced by C.
Molecular consequence: 5 prime UTR variant.
Genome position (GRCh38, 1-based): chr17:44,262,925, C>G on the plus strand (G>C on the coding strand, the complement: SLC4A1 is on the minus strand). VCF-style: chr17-44262925-C-G. GRCh37 (hg19) VCF-style: chr17-42340293-C-G.
Identifiers: ClinVar variation 3031747 (VCV003031747.2), dbSNP rs2047459963, ClinGen allele CA2740093749.

ClinVar aggregate classification (germline): Likely benign (0 of 4 stars; one submission).

Conditions:
SLC4A1-related disorder. Also called: SLC4A1-related disorders; SLC4A1-related condition.

Submission:

PreventionGenetics, part of Exact Sciences
Classification: Likely benign for SLC4A1-related condition. Last evaluated: 2022-12-22. Review status: no assertion criteria provided. Collection method: clinical testing. Allele origin: germline.
Comment: This variant is classified as likely benign based on ACMG/AMP sequence variant interpretation guidelines (Richards et al. 2015 PMID: 25741868, with internal and published modifications).